The following is an entry in ClinVar:

NM_001378615.1(CC2D2A):c.1684G>A (p.Glu562Lys)

Genes: CC2D2A (coiled-coil and C2 domain containing 2A; plus strand), FBXL5 (F-box and leucine rich repeat protein 5; minus strand). Cytogenetic location: 4p15.32.
Variant type: single nucleotide variant.
Coding change: c.1684G>A on transcript NM_001378615.1 (MANE Select); coding-DNA position 1684, G replaced by A.
Protein change: p.Glu562Lys; replaces glutamic acid 562 with lysine.
Molecular consequence: missense variant.
Genome position (GRCh38, 1-based): chr4:15,536,996, G>A. VCF-style: chr4-15536996-G-A. GRCh37 (hg19) VCF-style: chr4-15538619-G-A.
Other names: c.1684G>A, p.Glu562Lys (NM_001080522.2); c.1537G>A, p.Glu513Lys (NM_001378617.1); short protein forms E513K, E562K.
Identifiers: ClinVar variation 1962583 (VCV001962583.2), dbSNP rs1008514114, ClinGen allele CA92530621.

ClinVar aggregate classification (germline): Uncertain significance (1 of 4 stars; one submission).

Conditions:
Joubert syndrome. Also called: Familial aplasia of the vermis; JOUBERT-BOLTSHAUSER SYNDROME. Identifiers: Orphanet 475, MedGen C5979921, MONDO:0018772.
Meckel-Gruber syndrome. Also called: Dysencephalia splachnocystica; DYSENCEPHALIA SPLANCHNOCYSTICA; GRUBER SYNDROME. Identifiers: Orphanet 564, MedGen C0265215, MONDO:0018921.

Allele frequency attached by ClinVar (database versions not stated): gnomAD 0.00002; gnomAD exomes 0.00002; TOPMed 0.00002.
gnomAD v4.1: 39 of 1,613,682 alleles (0.0024%); highest among the groups gnomAD compares: Non-Finnish European, 0.0031%; no homozygotes.

Submission:

Labcorp Genetics (formerly Invitae), Labcorp
Classification: Uncertain significance for Joubert syndrome; Meckel-Gruber syndrome. Last evaluated: 2022-03-14. Review status: criteria provided, single submitter. Criteria: Invitae Variant Classification Sherloc (09022015). Collection method: clinical testing. Allele origin: germline.
Comment: This sequence change replaces glutamic acid, which is acidic and polar, with lysine, which is basic and polar, at codon 562 of the CC2D2A protein (p.Glu562Lys). This variant is present in population databases (no rsID available, gnomAD 0.002%). This variant has not been reported in the literature in individuals affected with CC2D2A-related conditions. Advanced modeling of protein sequence and biophysical properties (such as structural, functional, and spatial information, amino acid conservation, physicochemical variation, residue mobility, and thermodynamic stability) performed at Invitae indicates that this missense variant is expected to disrupt CC2D2A protein function. In summary, the available evidence is currently insufficient to determine the role of this variant in disease. Therefore, it has been classified as a Variant of Uncertain Significance.